The following is an entry in ClinVar:

NM_000465.4(BARD1):c.365-16del

Gene: BARD1 (BRCA1 associated RING domain 1; minus strand). Cytogenetic location: 2q35.
Variant type: Deletion.
Coding change: c.365-16del on transcript NM_000465.4 (MANE Select); 16 bases into the intron before coding-DNA position 365, one base deleted (T; older notation c.365-16delT).
Molecular consequence: intron variant.
Genome position (GRCh38, 1-based): chr2:214,781,525, A deleted on the plus strand (T on the coding strand, the reverse complement: BARD1 is on the minus strand); the first of 5 consecutive A bases (chr2:214,781,525-214,781,529); deleting any one gives the same sequence. VCF-style (leftmost placement, unchanged base first): chr2-214781524-GA-G. GRCh37 (hg19) VCF-style: chr2-215646248-GA-G.
Other names: c.158+27887del (NM_001282548.2); c.308-16del (NM_001282543.2); c.215+15536del (NM_001282545.2); c.364+10772del (NM_001282549.2).
Identifiers: ClinVar variation 2068284 (VCV002068284.5), dbSNP rs2469515156, ClinGen allele CA2580065728.

ClinVar aggregate classification (germline): Benign/Likely benign. Review status: criteria provided, multiple submitters, no conflicts (2 of 4 stars). 2 submissions from 2 submitters: Benign (1); Likely benign (1). Last evaluated 2024-07-19.

Conditions:
Familial cancer of breast. Also called: hereditary breast carcinoma; Hereditary breast cancer; BREAST CANCER, FAMILIAL. Identifiers: Orphanet 227535, MedGen C0346153, MONDO:0016419, OMIM 114480. Disease mechanism: loss of function.

Submissions (2):

Myriad Genetics, Inc.
Classification: Likely benign for Familial cancer of breast. Last evaluated: 2024-07-19. Review status: criteria provided, single submitter. Criteria: Myriad Autosomal Dominant, Autosomal Recessive and X-Linked Classification Criteria (2023). Collection method: clinical testing. Allele origin: unknown.
Comment: This variant is considered likely benign. This variant is intronic and is not expected to impact mRNA splicing.

Labcorp Genetics (formerly Invitae), Labcorp
Classification: Benign for Familial cancer of breast. Last evaluated: 2022-06-12. Review status: criteria provided, single submitter. Criteria: Invitae Variant Classification Sherloc (09022015). Collection method: clinical testing. Allele origin: germline.